The following is an entry in ClinVar:

ClinVar aggregate classification (germline): Uncertain significance (1 of 4 stars; one submission).

Conditions:
Hereditary cancer-predisposing syndrome. Also called: Neoplastic Syndromes, Hereditary; Tumor predisposition; Hereditary neoplastic syndrome; Hereditary Cancer Syndrome. Identifiers: Orphanet 140162, MedGen C0027672, MeSH D009386, MONDO:0015356.

Submission:

Ambry Genetics
Classification: Uncertain significance for Hereditary cancer-predisposing syndrome. Last evaluated: 2023-12-07. Review status: criteria provided, single submitter. Criteria: Ambry Variant Classification Scheme 2023. Collection method: clinical testing. Allele origin: germline.
Comment: The c.4836_4837delGAinsCG variant (also known as p.Q1612_S1613delinsHG), located in coding exon 14 of the BRCA1 gene, results from an in-frame deletion of GA and insertion of CG at nucleotide positions 4836 to 4837. This results in the substitution of the glutamine and serine residues for histidine and glycine residues at codons 1612 and 1613. These amino acid positions are not well conserved in available vertebrate species. In addition, this alteration is predicted to be neutral by in silico analysis (Choi Y et al. PLoS ONE. 2012; 7(10):e46688). Since supporting evidence is limited at this time, the clinical significance of this alteration remains unclear.

NM_007294.4(BRCA1):c.4836_4837delinsCG (p.Gln1612_Ser1613delinsHisGly)

Gene: BRCA1 (BRCA1 DNA repair associated; minus strand). Cytogenetic location: 17q21.31.
Variant type: Indel.
Coding change: c.4836_4837delinsCG on transcript NM_007294.4 (MANE Select); coding-DNA positions 4836 to 4837, GA replaced by CG.
Protein change: p.Gln1612_Ser1613delinsHisGly.
Molecular consequence: missense variant. On other transcripts: intron variant (1).
Genome position (GRCh38, 1-based): chr17:43,071,077-43,071,078, TC replaced by CG on the plus strand (GA replaced by CG on the coding strand, the reverse complement: BRCA1 is on the minus strand). VCF-style: chr17-43071077-TC-CG. GRCh37 (hg19) VCF-style: chr17-41223094-TC-CG.
Other names: c.4623_4624delinsCG, p.Gln1541_Ser1542delinsHisGly (NM_001407898.1, NM_001407899.1, NM_001407900.1 and 12 more transcripts); c.4620_4621delinsCG, p.Gln1540_Ser1541delinsHisGly (NM_001407915.1, NM_001407916.1, NM_001407917.1 and 1 more transcripts); c.4713_4714delinsCG, p.Gln1571_Ser1572delinsHisGly (NM_001407919.1, NM_001407937.1, NM_001407938.1 and 6 more transcripts); c.4572_4573delinsCG, p.Gln1524_Ser1525delinsHisGly (NM_001407920.1, NM_001407921.1, NM_001407922.1 and 4 more transcripts); c.4569_4570delinsCG, p.Gln1523_Ser1524delinsHisGly (NM_001407927.1, NM_001407928.1, NM_001407929.1 and 4 more transcripts); c.4566_4567delinsCG, p.Gln1522_Ser1523delinsHisGly (NM_001407934.1, NM_001407935.1, NM_001407936.1); c.4710_4711delinsCG, p.Gln1570_Ser1571delinsHisGly (NM_001407939.1, NM_001407940.1, NM_001407670.1 and 11 more transcripts); c.4707_4708delinsCG, p.Gln1569_Ser1570delinsHisGly (NM_001407941.1, NM_001407681.1, NM_001407682.1 and 6 more transcripts); and 72 more.
Identifiers: ClinVar variation 3226166 (VCV003226166.1), dbSNP rs2550944536, ClinGen allele CA2825002514.
Genomic context (GRCh38, chr17:43,071,077, plus strand): 5'-TCACACTTTCTTCCATTGCATTATACCCAGCAGTATCAGTAGTATGAGCAGCAGCTGGAC[TC>CG]TGGGCAGATTCTGCAACTTTCAATTGGGGAACTTTCAATGCAGAGGTTGAAGATGGTATG-3'